The following is an entry in ClinVar:

NM_033100.4(CDHR1):c.1553+6T>C

Gene: CDHR1 (cadherin related family member 1; plus strand). Cytogenetic location: 10q23.1.
Variant type: single nucleotide variant.
Coding change: c.1553+6T>C on transcript NM_033100.4 (MANE Select); 6 bases into the intron after coding-DNA position 1553, T replaced by C.
Molecular consequence: intron variant.
Genome position (GRCh38, 1-based): chr10:84,211,721, T>C. VCF-style: chr10-84211721-T-C. GRCh37 (hg19) VCF-style: chr10-85971477-T-C.
Other names: c.1553+6T>C (NM_001171971.3).
Identifiers: ClinVar variation 301244 (VCV000301244.47), dbSNP rs199567321, ClinGen allele CA5579972.

ClinVar aggregate classification (germline): Conflicting classifications of pathogenicity. Review status: criteria provided, conflicting classifications (1 of 4 stars). 6 submissions from 6 submitters: Uncertain significance (2); Likely benign (3). 1 of the submissions does not count toward it. Last evaluated 2026-01-18.

Conditions:
Retinal dystrophy. Also called: Inherited retinal dystrophy. Identifiers: Orphanet 71862, MedGen C0854723, MeSH D058499, MONDO:0019118, HP:0000556.
Cone-rod dystrophy 15 (CORD15). Identifiers: MedGen C3150912, MONDO:0013348, OMIM 613660.

Allele frequency attached by ClinVar (database versions not stated): 1000 Genomes Project 0.00020; 1000 Genomes Project 30x 0.00031; gnomAD exomes 0.00126 and 0.00211; TOPMed 0.00128; gnomAD 0.00131 and 0.00139; ExAC 0.00137; ESP Exome Variant Server 0.00161.

Submissions (6):

Labcorp Genetics (formerly Invitae), Labcorp
Classification: Likely benign. Last evaluated: 2026-01-18. Review status: criteria provided, single submitter. Criteria: Invitae Variant Classification Sherloc (09022015). Collection method: clinical testing. Allele origin: germline.

Blueprint Genetics
Classification: Likely benign. Last evaluated: 2024-11-17. Review status: criteria provided, single submitter. Criteria: ACMG Guidelines, 2015. Collection method: clinical testing. Allele origin: germline.

CeGaT Center for Human Genetics Tuebingen
Classification: Likely benign. Last evaluated: 2022-10-01. Review status: criteria provided, single submitter. Criteria: CeGaT Center For Human Genetics Tuebingen Variant Classification Criteria Version 2. Collection method: clinical testing. Allele origin: germline. Affected: yes. Observed: 1 variant allele.
Comment: CDHR1: BP4

Illumina Laboratory Services, Illumina
Classification: Uncertain significance for Cone-rod dystrophy 15. Last evaluated: 2018-01-13. Review status: criteria provided, single submitter. Criteria: ICSL Variant Classification Criteria 13 December 2019. Collection method: clinical testing. Allele origin: germline.

GeneDx
Classification: Uncertain significance. Last evaluated: 2017-05-12. Review status: criteria provided, single submitter. Criteria: GeneDx Variant Classification (06012015). Collection method: clinical testing. Allele origin: germline. Affected: yes.
Comment: The c.1553+6T>C variant in the CDHR1 gene has not been reported previously as a pathogenic variant nor as a benign variant, to our knowledge. This variant reduces the quality of the natural splice donor site in intron 14, and is predicted to cause abnormal gene splicing. The c.1553+6T>C variant is observed in 155/66730 (0.23%) alleles from individuals of non-Finnish European background in large population cohorts in the ExAC dataset (Lek et al., 2016). We interpret c.1553+6T>C as a variant of uncertain significance.

Institute of Human Genetics, Univ. Regensburg, Univ. Regensburg
Classification: Uncertain significance for Retinal dystrophy. Last evaluated: 2023-01-01. Review status: no assertion criteria provided. Criteria: ACMG Guidelines, 2015. Collection method: clinical testing. Allele origin: germline. Affected: yes. Not counted in ClinVar's aggregate classification.